The following is an entry in ClinVar:

NM_000543.5(SMPD1):c.742G>C (p.Glu248Gln)

Gene: SMPD1 (sphingomyelin phosphodiesterase 1; plus strand). Cytogenetic location: 11p15.4.
Variant type: single nucleotide variant.
Coding change: c.742G>C on transcript NM_000543.5 (MANE Select); coding-DNA position 742, G replaced by C.
Protein change: p.Glu248Gln; replaces glutamic acid 248 with glutamine.
Molecular consequence: missense variant. On other transcripts: 5 prime UTR variant (1), non-coding transcript variant (1).
Genome position (GRCh38, 1-based): chr11:6,391,807, G>C. VCF-style: chr11-6391807-G-C. GRCh37 (hg19) VCF-style: chr11-6413037-G-C.
Other names: c.739G>C, p.Glu247Gln (NM_001007593.3); c.742G>C, p.Glu248Gln (NM_001318087.2, NM_001365135.2); c.-220G>C (NM_001318088.2); short protein forms E248Q, E247Q.
Identifiers: ClinVar variation 1452305 (VCV001452305.8), dbSNP rs200763423, ClinGen allele CA379370913.

ClinVar aggregate classification (germline): Pathogenic (1 of 4 stars; one submission).

Conditions:
Niemann-Pick disease, type A. Also called: SPHINGOMYELIN LIPIDOSIS; SPHINGOMYELINASE DEFICIENCY; Infantile Neurovisceral ASMD (Niemann-Pick Disease Type A; NPD-A). Identifiers: Orphanet 77292, MedGen C0268242, MONDO:0009756, OMIM 257200. Disease mechanism: loss of function.
Niemann-Pick disease, type B. Also called: Chronic Visceral ASMD (Niemann-Pick Disease Type B; NPD-B). Identifiers: Orphanet 77293, MedGen C0268243, MONDO:0011871, OMIM 607616. Disease mechanism: loss of function.

Allele frequency attached by ClinVar (database versions not stated): gnomAD exomes below 0.00001.

Submission:

Labcorp Genetics (formerly Invitae), Labcorp
Classification: Pathogenic for Niemann-Pick disease, type B; Niemann-Pick disease, type A. Last evaluated: 2023-03-08. Review status: criteria provided, single submitter. Criteria: Invitae Variant Classification Sherloc (09022015). Collection method: clinical testing. Allele origin: germline.
Comment: This sequence change replaces glutamic acid, which is acidic and polar, with glutamine, which is neutral and polar, at codon 248 of the SMPD1 protein (p.Glu248Gln). This variant is present in population databases (no rsID available, gnomAD 0.0009%). This missense change has been observed in individual(s) with Niemann-Pick disease type B (PMID: 8664904). ClinVar contains an entry for this variant (Variation ID: 1452305). Advanced modeling of protein sequence and biophysical properties (such as structural, functional, and spatial information, amino acid conservation, physicochemical variation, residue mobility, and thermodynamic stability) performed at Invitae indicates that this missense variant is expected to disrupt SMPD1 protein function. Experimental studies have shown that this missense change affects SMPD1 function (PMID: 8664904). This variant disrupts the p.Glu248 amino acid residue in SMPD1. Other variant(s) that disrupt this residue have been determined to be pathogenic (PMID: 15221801, 19411774). This suggests that this residue is clinically significant, and that variants that disrupt this residue are likely to be disease-causing. For these reasons, this variant has been classified as Pathogenic.

Literature cited by the submitters: PubMed 8664904; PubMed 15221801; PubMed 19411774.